The following is an entry in ClinVar:

NM_005591.4(MRE11):c.1367A>G (p.Glu456Gly)

Gene: MRE11 (MRE11 double strand break repair nuclease; minus strand). Cytogenetic location: 11q21.
Variant type: single nucleotide variant.
Coding change: c.1367A>G on transcript NM_005591.4 (MANE Select); coding-DNA position 1367, A replaced by G.
Protein change: p.Glu456Gly; replaces glutamic acid 456 with glycine.
Molecular consequence: missense variant.
Genome position (GRCh38, 1-based): chr11:94,459,541, T>C on the plus strand (A>G on the coding strand, the complement: MRE11 is on the minus strand). VCF-style: chr11-94459541-T-C. GRCh37 (hg19) VCF-style: chr11-94192707-T-C.
Other names: c.1367A>G, p.Glu456Gly (NM_001330347.2, NM_005590.4); short protein forms E456G.
Identifiers: ClinVar variation 232175 (VCV000232175.5), dbSNP rs876659599, ClinGen allele CA10579378.

ClinVar aggregate classification (germline): Uncertain significance (1 of 4 stars; one submission).

Conditions:
Hereditary cancer-predisposing syndrome. Also called: Neoplastic Syndromes, Hereditary; Tumor predisposition; Hereditary Cancer Syndrome; Hereditary neoplastic syndrome. Identifiers: Orphanet 140162, MedGen C0027672, MeSH D009386, MONDO:0015356.

Submission:

Ambry Genetics
Classification: Uncertain significance for Hereditary cancer-predisposing syndrome. Last evaluated: 2023-12-08. Review status: criteria provided, single submitter. Criteria: Ambry Variant Classification Scheme 2023. Collection method: clinical testing. Allele origin: germline.
Comment: The p.E456G variant (also known as c.1367A>G), located in coding exon 12 of the MRE11A gene, results from an A to G substitution at nucleotide position 1367. The glutamic acid at codon 456 is replaced by glycine, an amino acid with similar properties. This amino acid position is not well conserved in available vertebrate species. In addition, the in silico prediction for this alteration is inconclusive. Since supporting evidence is limited at this time, the clinical significance of this alteration remains unclear.